The following is an entry in ClinVar:

NM_014709.4(USP34):c.3G>A (p.Met1Ile)

Genes: USP34 (ubiquitin specific peptidase 34; minus strand), LOC129933832 (ATAC-STARR-seq lymphoblastoid silent region 11527; plus strand). Cytogenetic location: 2p15.
Variant type: single nucleotide variant.
Coding change: c.3G>A on transcript NM_014709.4 (MANE Select); coding-DNA position 3, G replaced by A.
Protein change: p.Met1Ile; changes the start codon (methionine 1).
Molecular consequence: missense variant, initiator codon variant.
Genome position (GRCh38, 1-based): chr2:61,470,690, C>T on the plus strand (G>A on the coding strand, the complement: USP34 is on the minus strand). VCF-style: chr2-61470690-C-T. GRCh37 (hg19) VCF-style: chr2-61697825-C-T.
Other names: short protein forms M1I.
Identifiers: ClinVar variation 5016923 (VCV005016923.1).
Genomic context (GRCh38, chr2:61,470,690, plus strand): 5'-CCGCTACCGCGGCTACTTACTTTCATTTAACACCTCCACCAGGTCTGCGCAGTTCTCGCA[C>T]ATCGTTCGGCCGCCGCCCCCCCCCTCCCCCGCTTCGGATCACACTGACTGATCCCGACCG-3'
Protein context (NP_055524.3, residues 1-11): [Met1Ile]CENCADLVEV

ClinVar aggregate classification (germline): Uncertain significance (1 of 4 stars; one submission).

Submission:

GeneDx
Classification: Uncertain significance. Last evaluated: 2026-03-24. Review status: criteria provided, single submitter. Criteria: GeneDx Variant Classification Process June 2021. Collection method: clinical testing. Allele origin: germline.
Comment: Not observed at significant frequency in large population cohorts (gnomAD); Initiation codon variant predicted to alter the protein; however, a downstream in-frame Methionine residue could serve as an alternate initiator codon; Has not been previously published as pathogenic or benign to our knowledge; Variants in candidate genes are classified as variants of uncertain significance in accordance with ACMG guidelines (PMID: 25741868)